The following is an entry in ClinVar:

ClinVar aggregate classification (germline): Likely pathogenic (1 of 4 stars; one submission).

Submission:

Quest Diagnostics Nichols Institute San Juan Capistrano
Classification: Likely pathogenic. Last evaluated: 2025-05-09. Review status: criteria provided, single submitter. Criteria: Quest Diagnostics criteria. Collection method: clinical testing. Allele origin: unknown.
Comment: The NF1 c.844del (p.Gln282Argfs*13) variant alters the translational reading frame of the NF1 mRNA and is predicted to cause the premature termination of NF1 protein synthesis. This variant has not been reported in individuals with NF1-related conditions in the published literature. This variant has not been reported in large, multi-ethnic general populations (Genome Aggregation Database). Based on the available information, this variant is classified as likely pathogenic.

NM_001042492.3(NF1):c.844del (p.Gln282fs)

Gene: NF1 (neurofibromin 1; plus strand). Cytogenetic location: 17q11.2.
Variant type: Deletion.
Coding change: c.844del on transcript NM_001042492.3 (MANE Select); coding-DNA position 844, one base deleted (C; older notation c.844delC).
Protein change: p.Gln282fs; shifts the reading frame from glutamine 282.
Molecular consequence: frameshift variant.
Genome position (GRCh38, 1-based): chr17:31,182,621, C deleted; the last of 2 consecutive C bases (chr17:31,182,620-31,182,621); deleting either gives the same sequence. VCF-style (leftmost placement, unchanged base first): chr17-31182619-TC-T. GRCh37 (hg19) VCF-style: chr17-29509637-TC-T.
Other names: c.844delC, p.Gln282Argfs (NM_000267.3); c.844del, p.Gln282fs (NM_000267.4, NM_001128147.3); short protein forms Q282fs.
Identifiers: ClinVar variation 4532922 (VCV004532922.1).
Genomic context (GRCh38, chr17:31,182,619, plus strand): 5'-AACGTAAAGCAGCAGTTTGGCCACTACAAATCATTCTCCTTATCTTGTGTCCAGAAATAA[TC>T]CAGGATATATCCAAAGACGTGGTTGATGAAAACAACATGAATAAGGTAAGGAGGGCAAAA-3'